The following is an entry in ClinVar:

ClinVar aggregate classification (germline): Uncertain significance (1 of 4 stars; one submission).

Conditions:
DK1-congenital disorder of glycosylation. Also called: CONGENITAL DISORDER OF GLYCOSYLATION, TYPE Im; DK1-CDG; CDG Im; DK1 DEFICIENCY; DOLICHOL KINASE DEFICIENCY; DOLK-congenital disorder of glycosylation. Identifiers: Orphanet 91131, MedGen C1835849, MONDO:0012556, OMIM 610768.

Allele frequency attached by ClinVar (database versions not stated): gnomAD exomes below 0.00001; gnomAD 0.00001; TOPMed 0.00001.
gnomAD v4.1: 2 of 1,613,942 alleles (0.00012%); highest among the groups gnomAD compares: African/African-American, 0.0013%; no homozygotes.

Submission:

Labcorp Genetics (formerly Invitae), Labcorp
Classification: Uncertain significance for DK1-congenital disorder of glycosylation. Last evaluated: 2023-07-07. Review status: criteria provided, single submitter. Criteria: Invitae Variant Classification Sherloc (09022015). Collection method: clinical testing. Allele origin: germline.
Comment: This variant has not been reported in the literature in individuals affected with DOLK-related conditions. This sequence change replaces asparagine, which is neutral and polar, with lysine, which is basic and polar, at codon 178 of the DOLK protein (p.Asn178Lys). This variant is not present in population databases (gnomAD no frequency). ClinVar contains an entry for this variant (Variation ID: 1039869). Advanced modeling of protein sequence and biophysical properties (such as structural, functional, and spatial information, amino acid conservation, physicochemical variation, residue mobility, and thermodynamic stability) performed at Invitae indicates that this missense variant is not expected to disrupt DOLK protein function. In summary, the available evidence is currently insufficient to determine the role of this variant in disease. Therefore, it has been classified as a Variant of Uncertain Significance.

NM_014908.4(DOLK):c.534C>A (p.Asn178Lys)

Gene: DOLK (dolichol kinase; minus strand). Cytogenetic location: 9q34.11.
Variant type: single nucleotide variant.
Coding change: c.534C>A on transcript NM_014908.4 (MANE Select); coding-DNA position 534, C replaced by A.
Protein change: p.Asn178Lys; replaces asparagine 178 with lysine.
Molecular consequence: missense variant.
Genome position (GRCh38, 1-based): chr9:128,946,770, G>T on the plus strand (C>A on the coding strand, the complement: DOLK is on the minus strand). VCF-style: chr9-128946770-G-T. GRCh37 (hg19) VCF-style: chr9-131709049-G-T.
Other names: short protein forms N178K.
Identifiers: ClinVar variation 1039869 (VCV001039869.8), dbSNP rs1201588280, ClinGen allele CA375125157.
Genomic context (GRCh38, chr9:128,946,770, plus strand): 5'-CAATACCAGCAGTGCCTCACCAGGGGTGAAGCAGCGGGGCAGCAGGTACAGCAGGATCAT[G>T]TTGAGATAAACGAAGATCAGAAGGACTTCCAGGACTTCGATCACCTCCCCCACGCTCAAC-3'
Protein context (NP_055723.1, residues 168-188): LEVLLIFVYL[Asn178Lys]MILLYLLPRC